The following is an entry in ClinVar:

NM_015443.4(KANSL1):c.1786G>A (p.Val596Ile)

Gene: KANSL1 (KAT8 regulatory NSL complex subunit 1). Cytogenetic location: 17q21.31.
Variant type: single nucleotide variant.
Coding change: c.1786G>A on transcript NM_015443.4 (MANE Select); coding-DNA position 1786, G replaced by A.
Protein change: p.Val596Ile; replaces valine 596 with isoleucine.
Molecular consequence: missense variant.
Genome position (GRCh38, 1-based): chr17:46,066,599, C>T on the plus strand (G>A on the coding strand, the complement: KANSL1 is on the minus strand). VCF-style: chr17-46066599-C-T. GRCh37 (hg19) VCF-style: chr17-44143965-C-T.
Other names: c.1684G>A, p.Val562Ile (NM_001405860.1, NM_001405861.1, NM_001405859.1 and 1 more transcripts); c.1786G>A, p.Val596Ile (NM_001405872.1, NM_001405873.1, NM_001405874.1 and 14 more transcripts); c.520G>A, p.Val174Ile (NM_001405882.1, NM_001405883.1, NM_001405884.1 and 1 more transcripts); short protein forms V562I, V596I, V174I.
Identifiers: ClinVar variation 4726177 (VCV004726177.3).

ClinVar aggregate classification (germline): Uncertain significance. Review status: criteria provided, multiple submitters, no conflicts (2 of 4 stars). 2 submissions from 2 submitters: Uncertain significance (2). Last evaluated 2025-04-15.

Conditions:
Koolen-de Vries syndrome (KDVS). Identifiers: Orphanet 96169, MedGen C1864871, MONDO:0012496, OMIM 610443.

Submissions (2):

Dasa
Classification: Uncertain significance. Last evaluated: 2025-04-15. Review status: criteria provided, single submitter. Criteria: DASA Assertion Criteria. Collection method: clinical testing. Allele origin: germline.
Comment: NM_015443.4(KANSL1):c.1786G>A (p.Val596Ile) is a missense variant that results in the substitution of valine with isoleucine. This variant is absent from population databases. Computational prediction algorithms are consistent with a benign effect. The currently available literature and clinical evidence are not sufficient to establish a definitive association between this variant and the reported condition. Therefore, this variant is classified as a variant of uncertain significance.

Labcorp Genetics (formerly Invitae), Labcorp
Classification: Uncertain significance for Koolen-de Vries syndrome. Last evaluated: 2025-03-19. Review status: criteria provided, single submitter. Criteria: Invitae Variant Classification Sherloc (09022015). Collection method: clinical testing. Allele origin: germline.
Comment: This sequence change replaces valine, which is neutral and non-polar, with isoleucine, which is neutral and non-polar, at codon 596 of the KANSL1 protein (p.Val596Ile). This variant is not present in population databases (gnomAD no frequency). This variant has not been reported in the literature in individuals affected with KANSL1-related conditions. Invitae Evidence Modeling of protein sequence and biophysical properties (such as structural, functional, and spatial information, amino acid conservation, physicochemical variation, residue mobility, and thermodynamic stability) indicates that this missense variant is not expected to disrupt KANSL1 protein function with a negative predictive value of 80%. In summary, the available evidence is currently insufficient to determine the role of this variant in disease. Therefore, it has been classified as a Variant of Uncertain Significance.